The following is an entry in ClinVar:

NM_000138.5(FBN1):c.3352C>T (p.Gln1118Ter)

Gene: FBN1 (fibrillin 1; minus strand). Cytogenetic location: 15q21.1.
Variant type: single nucleotide variant.
Coding change: c.3352C>T on transcript NM_000138.5 (MANE Select); coding-DNA position 3352, C replaced by T.
Protein change: p.Gln1118Ter; replaces glutamine 1118 with a stop codon.
Molecular consequence: nonsense.
Genome position (GRCh38, 1-based): chr15:48,487,423, G>A on the plus strand (C>T on the coding strand, the complement: FBN1 is on the minus strand). VCF-style: chr15-48487423-G-A. GRCh37 (hg19) VCF-style: chr15-48779620-G-A.
Other names: c.3352C>T, p.Gln1118Ter (NM_001406716.1); short protein forms Q1118*.
Identifiers: ClinVar variation 4783801 (VCV004783801.1).

ClinVar aggregate classification (germline): Pathogenic (1 of 4 stars; one submission).

Conditions:
Marfan syndrome (MFS). Also called: FBN1-Related Marfan Syndrome; MARFAN SYNDROME, TYPE I; Marfan syndrome type 1; Marfan's syndrome; Marfan syndrome, classic. Identifiers: Orphanet 284963, Orphanet 558, MedGen C0024796, MONDO:0007947, OMIM 154700.
Familial thoracic aortic aneurysm and aortic dissection (TAAD). Also called: Thoracic aortic aneurysms and dissections. Identifiers: Orphanet 91387, MedGen C4707243, MONDO:0019625.

Submission:

Labcorp Genetics (formerly Invitae), Labcorp
Classification: Pathogenic for Marfan syndrome; Familial thoracic aortic aneurysm and aortic dissection. Last evaluated: 2025-03-19. Review status: criteria provided, single submitter. Criteria: Invitae Variant Classification Sherloc (09022015). Collection method: clinical testing. Allele origin: germline.
Comment: This sequence change creates a premature translational stop signal (p.Gln1118*) in the FBN1 gene. It is expected to result in an absent or disrupted protein product. Loss-of-function variants in FBN1 are known to be pathogenic (PMID: 17657824, 19293843). This variant is not present in population databases (gnomAD no frequency). This premature translational stop signal has been observed in individual(s) with Marfan syndrome (PMID: 33910934). In at least one individual the variant was observed to be de novo. For these reasons, this variant has been classified as Pathogenic.

Literature cited by the submitters: PubMed 17657824; PubMed 19293843; PubMed 33910934.